The following is an entry in ClinVar:

ClinVar aggregate classification (germline): Likely pathogenic (1 of 4 stars; one submission).

Conditions:
Lissencephaly due to LIS1 mutation (LIS1). Also called: PAFAH1B1-Associated Lissencephaly/Subcortical Band Heterotopia; Isolated Lissencephaly Sequence; PAFAH1B1-Related Lissencephaly/Subcortical Band Heterotopia. Identifiers: Orphanet 95232, MedGen C4749301, MONDO:0011830, OMIM 607432.

Submission:

GeneDx
Classification: Likely pathogenic. Last evaluated: 2020-11-19. Review status: criteria provided, single submitter. Criteria: GeneDx Variant Classification Process June 2021. Collection method: clinical testing. Allele origin: germline. Affected: yes.
Comment: Not observed in large population cohorts (Lek et al., 2016); In silico analysis supports that this missense variant has a deleterious effect on protein structure/function; Has not been previously published as pathogenic or benign to our knowledge

NM_000430.4(PAFAH1B1):c.1190C>T (p.Thr397Ile)

Gene: PAFAH1B1 (platelet activating factor acetylhydrolase 1b regulatory subunit 1; plus strand). Cytogenetic location: 17p13.3.
Variant type: single nucleotide variant.
Coding change: c.1190C>T on transcript NM_000430.4 (MANE Select); coding-DNA position 1190, C replaced by T.
Protein change: p.Thr397Ile; replaces threonine 397 with isoleucine.
Molecular consequence: missense variant.
Genome position (GRCh38, 1-based): chr17:2,681,759, C>T. VCF-style: chr17-2681759-C-T. GRCh37 (hg19) VCF-style: chr17-2585053-C-T.
Other names: short protein forms T397I.
Identifiers: ClinVar variation 429277 (VCV000429277.4), dbSNP rs1131691295, ClinGen allele CA397643102.